The following is an entry in ClinVar:

ClinVar aggregate classification (germline): Uncertain significance (1 of 4 stars; one submission).

Conditions:
Argininosuccinate lyase deficiency. Also called: ARGININOSUCCINIC ACID LYASE DEFICIENCY; ASL DEFICIENCY; Argininosuccinic aciduria. Identifiers: Orphanet 23, MedGen C0268547, MONDO:0008815, OMIM 207900, HP:0025630.

Submission:

Labcorp Genetics (formerly Invitae), Labcorp
Classification: Uncertain significance for Argininosuccinate lyase deficiency. Last evaluated: 2019-09-11. Review status: criteria provided, single submitter. Criteria: Invitae Variant Classification Sherloc (09022015). Collection method: clinical testing. Allele origin: germline.
Comment: This variant results in a copy number gain of the genomic region encompassing the full coding sequence of the ASL gene. The boundaries of this event are unknown as they extend beyond the assayed region for this gene and therefore may encompass additional genes. As the precise location of this event is unknown, it may be in tandem or it may be located elsewhere in the genome. This variant has not been reported in the literature in individuals with ASL-related conditions. Experimental studies and prediction algorithms are not available or were not evaluated for this variant, and the functional significance of this variant is currently unknown. In summary, the available evidence is currently insufficient to determine the role of this variant in disease. Therefore, it has been classified as a Variant of Uncertain Significance.

NC_000007.14:g.(?_66076062)_(66092932_?)dup

Gene: ASL (argininosuccinate lyase; plus strand). Cytogenetic location: 7q11.21.
Variant type: Duplication.
Identifiers: ClinVar variation 832111 (VCV000832111.1).